The following is an entry in ClinVar:

NM_003718.5(CDK13):c.4388G>T (p.Gly1463Val)

Gene: CDK13 (cyclin dependent kinase 13; plus strand). Cytogenetic location: 7p14.1.
Variant type: single nucleotide variant.
Coding change: c.4388G>T on transcript NM_003718.5 (MANE Select); coding-DNA position 4388, G replaced by T.
Protein change: p.Gly1463Val; replaces glycine 1463 with valine.
Molecular consequence: missense variant.
Genome position (GRCh38, 1-based): chr7:40,094,829, G>T. VCF-style: chr7-40094829-G-T. GRCh37 (hg19) VCF-style: chr7-40134428-G-T.
Other names: c.4208G>T, p.Gly1403Val (NM_031267.4); short protein forms G1403V, G1463V.
Identifiers: ClinVar variation 2876600 (VCV002876600.3), dbSNP rs1787010404, ClinGen allele CA367297076.

ClinVar aggregate classification (germline): Uncertain significance (1 of 4 stars; one submission).

Allele frequency attached by ClinVar (database versions not stated): TOPMed below 0.00001.

Submission:

Labcorp Genetics (formerly Invitae), Labcorp
Classification: Uncertain significance. Last evaluated: 2023-07-20. Review status: criteria provided, single submitter. Criteria: Invitae Variant Classification Sherloc (09022015). Collection method: clinical testing. Allele origin: germline.
Comment: This variant has not been reported in the literature in individuals affected with CDK13-related conditions. In summary, the available evidence is currently insufficient to determine the role of this variant in disease. Therefore, it has been classified as a Variant of Uncertain Significance. Advanced modeling of protein sequence and biophysical properties (such as structural, functional, and spatial information, amino acid conservation, physicochemical variation, residue mobility, and thermodynamic stability) has been performed at Invitae for this missense variant, however the output from this modeling did not meet the statistical confidence thresholds required to predict the impact of this variant on CDK13 protein function. This variant is not present in population databases (gnomAD no frequency). This sequence change replaces glycine, which is neutral and non-polar, with valine, which is neutral and non-polar, at codon 1463 of the CDK13 protein (p.Gly1463Val).